The following is an entry in ClinVar:

ClinVar aggregate classification (germline): Pathogenic. Review status: reviewed by expert panel (3 of 4 stars). 17 submissions from 17 submitters: Pathogenic (1). 16 of the submissions do not count toward it. Last evaluated 2025-04-22.

Conditions:
Muscular dystrophy, limb-girdle, autosomal dominant 4. Also called: MUSCULAR DYSTROPHY, LIMB-GIRDLE, TYPE 1I; Calpain-3-related limb-girdle muscular dystrophy D4. Identifiers: Orphanet 565909, MedGen C4748295, MONDO:0029133, OMIM 618129.
Autosomal recessive limb-girdle muscular dystrophy type 2A (LGMDR1). Also called: Muscular dystrophy, limb-girdle, type 2A, Amish; Limb-girdle muscular dystrophy, type 2A; LEYDEN-MOEBIUS MUSCULAR DYSTROPHY; MUSCULAR DYSTROPHY, PELVOFEMORAL; Calpainopathy. Identifiers: Orphanet 267, MedGen C1869123, MONDO:0009675, OMIM 253600. Disease mechanism: loss of function.
Autosomal recessive limb-girdle muscular dystrophy. Identifiers: Orphanet 102015, MedGen C2931907, MONDO:0015152.

Allele frequency attached by ClinVar (database versions not stated): gnomAD 0.00014 and 0.00003; TOPMed 0.00018; ExAC 0.00005.
gnomAD v4.1: 53 of 1,614,058 alleles (0.0033%); highest among the groups gnomAD compares: African/African-American, 0.0053%; no homozygotes.

Submissions 1 to 8 of 17:

ClinGen Limb Girdle Muscular Dystrophy Variant Curation Expert Panel, ClinGen
Classification: Pathogenic for Autosomal recessive limb-girdle muscular dystrophy. Last evaluated: 2025-04-22. Review status: reviewed by expert panel. Criteria: ClinGen LGMD VCEP ACMG Specifications CAPN3 V1.0.0. Collection method: curation. Allele origin: germline. Inheritance: Autosomal recessive inheritance.
Comment: The NM_000070.3: c.2306G>A variant in CAPN3 is a missense variant predicted to cause the substitution of arginine by glutamine at amino acid position 769, p.(Arg769Gln). The variant has been detected in a homozygous state in more than 30 individuals with LGMD (1.0 pt, PMID: 14645990, 12461690, 7720071, 23553538, LOVD CAPN3_000013; PM3). It was also observed to segregate with autosomal recessive LGMD in eight affected family members from two families and was found in a homozygous state in all affected patients in 10 families from the Plain community in northern Indiana (PMID: 12461690, 7720071; PP1_Strong). At least one patient homozygous for this variant showed progressive limb girdle muscle weakness and absent expression of calpain-3 protein in skeletal muscle, which is highly specific for CAPN3-related LGMD (PMID: 14645990; PP4 (capped with PP1_Strong)). The filtering allele frequency of this variant is 0.000089887 in gnomAD v4.1.0 exomes (the upper threshold of the 95% CI of 3/86258 South Asian chromosomes), which is less than the ClinGen LGMD VCEP threshold (≤0.0001) (PM2_Supporting). The computational predictor REVEL gives a score of 0.947, which is above the threshold of 0.70 (PP3). SpliceAI predicts the possible loss of an alternate splice donor site due to this variant, with a score of 0.49. However, a minigene assay for this variant demonstrated a largely preserved expression of transcripts with normal splicing (PMID: 32668095). In summary, this variant is classified as Pathogenic for autosomal recessive limb girdle muscular dystrophy by the ClinGen LGMD VCEP (LGMD VCEP specifications version 1.0.0; 04/22/2025). While the ACMG/AMP criteria applied, as specified by the ClinGen LGMD VCEP, result in 9 Bayesian points (PM3, PP1_Strong, PP4, PM2_Supporting, PP3), a classification of Pathogenic was awarded given the strength of the available evidence and the impact of scoring caps on homozygous case data and locus-specific segregation and phenotype evidence.

CeGaT Center for Human Genetics Tuebingen
Classification: Likely pathogenic. Last evaluated: 2026-04-01. Review status: criteria provided, single submitter. Criteria: CeGaT Center For Human Genetics Tuebingen Variant Classification Criteria Version 2. Collection method: clinical testing. Allele origin: germline. Affected: yes. Observed: 1 variant allele. Not counted in ClinVar's aggregate classification.
Comment: CAPN3: PM2, PM3, PM5, PS3:Supporting

Labcorp Genetics (formerly Invitae), Labcorp
Classification: Pathogenic for Autosomal recessive limb-girdle muscular dystrophy type 2A. Last evaluated: 2026-01-14. Review status: criteria provided, single submitter. Criteria: Invitae Variant Classification Sherloc (09022015). Collection method: clinical testing. Allele origin: germline. Not counted in ClinVar's aggregate classification.
Comment: This sequence change replaces arginine, which is basic and polar, with glutamine, which is neutral and polar, at codon 769 of the CAPN3 protein (p.Arg769Gln). This variant is present in population databases (rs80338802, gnomAD 0.006%). This missense change has been observed in individuals with autosomal recessive limb-girdle muscular dystrophy (PMID: 7720071, 7762565, 7795603, 9246005, 12461690, 14645990). It is commonly reported in individuals of Amish ancestry (PMID: 9246005). ClinVar contains an entry for this variant (Variation ID: 17613). Invitae Evidence Modeling of protein sequence and biophysical properties (such as structural, functional, and spatial information, amino acid conservation, physicochemical variation, residue mobility, and thermodynamic stability) has been performed for this missense variant. However, the output from this modeling did not meet the statistical confidence thresholds required to predict the impact of this variant on CAPN3 protein function. Experimental studies have shown that this missense change affects CAPN3 function (PMID: 9642272). For these reasons, this variant has been classified as Pathogenic.

Natera, Inc.
Classification: Pathogenic for Limb-girdle muscular dystrophy type 2A. Last evaluated: 2025-12-23. Review status: criteria provided, single submitter. Criteria: Natera Variant Classification Schema (03/2026). Collection method: clinical testing. Allele origin: germline. Not counted in ClinVar's aggregate classification.
Comment: The c.2306G>A variant in CAPN3 is a missense variant predicted to cause substitution of arginine to glutamine at amino acid 769. This variant is rare in the general population with a frequency below the threshold expected for the associated phenotype(s). This variant has been observed in one or more individuals affected with the associated recessive disease, as either homozygous or compound heterozygous with a second variant (PMID: 10330340, 16650086, 40237364, 19015733). A different variant at the same position has been determined to be Pathogenic or Likely Pathogenic. Computational prediction algorithms indicate this variant is likely to affect gene or protein function. Given the available evidence, this variant is classified as Pathogenic.

GeneDx
Classification: Pathogenic. Last evaluated: 2025-03-27. Review status: criteria provided, single submitter. Criteria: GeneDx Variant Classification Process June 2021. Collection method: clinical testing. Allele origin: germline. Affected: yes. Not counted in ClinVar's aggregate classification.
Comment: In silico analysis, which includes protein predictors and evolutionary conservation, supports a deleterious effect; Not observed at a significant frequency in large population cohorts (gnomAD); This variant is associated with the following publications: (PMID: 30564623, 23553538, 9246005, 12461690, 16650086, 25252238, 28300015, 20301490, 19015733, 18258189, 14645990, 9642272, 7795603, 7762565, 31028937, 32668095, 31980526, 31589614, 35169782, 7720071)

Women's Health and Genetics/Laboratory Corporation of America, LabCorp
Classification: Pathogenic for Autosomal recessive limb-girdle muscular dystrophy. Last evaluated: 2025-03-19. Review status: criteria provided, single submitter. Criteria: LabCorp Variant Classification Summary - May 2015. Collection method: clinical testing. Allele origin: germline. Not counted in ClinVar's aggregate classification.
Comment: Variant summary: CAPN3 c.2306G>A (p.Arg769Gln) results in a conservative amino acid change in the encoded protein sequence. Four of five in-silico tools predict a damaging effect of the variant on protein function. The variant allele was found at a frequency of 3.2e-05 in 251404 control chromosomes. c.2306G>A has been reported in the literature in multiple individuals affected with Limb-Girdle Muscular Dystrophy, Autosomal Recessive (e.g. Richard_1995, dePaula_2002). These data indicate that the variant is very likely to be associated with disease. A different variant affecting the same codon has been classified as pathogenic by our lab (c.2305C>T, p.Arg769Trp), supporting the critical relevance of codon 769 to CAPN3 protein function. To our knowledge, no experimental evidence demonstrating an impact on protein function has been reported. The following publications have been ascertained in the context of this evaluation (PMID: 7720071, 12461690). ClinVar contains an entry for this variant (Variation ID: 17613). Based on the evidence outlined above, the variant was classified as pathogenic.

Revvity Omics, Revvity
Classification: Pathogenic. Last evaluated: 2025-01-23. Review status: criteria provided, single submitter. Criteria: ACMG Guidelines, 2015. Collection method: clinical testing. Allele origin: germline. Not counted in ClinVar's aggregate classification.

Dasa
Classification: Pathogenic. Last evaluated: 2024-10-15. Review status: criteria provided, single submitter. Criteria: DASA Assertion Criteria. Collection method: clinical testing. Allele origin: germline. Not counted in ClinVar's aggregate classification.
Comment: NM_000070.3(CAPN3):c.2306G>A (p.Arg769Gln) is a missense variant that results in the substitution of arginine with glutamine. The affected residue or protein region has prior evidence supporting clinical relevance. This variant has been observed in affected individuals with related phenotype in a genotype context consistent with recessive disease (PMID: 9642272; PMID: 23553538; PMID: 19015733; PMID: 7720071; PMID: 35169782). Functional evidence supports a deleterious effect on the gene or gene product (PMID: 9642272; PMID: 23553538; PMID: 19015733; PMID: 7720071; PMID: 35169782). This variant has been recurrently observed in individuals with related phenotype (PMID: 9642272; PMID: 23553538; PMID: 19015733; PMID: 7720071; PMID: 35169782). The variant is present at low frequency in population datasets. Based on the available data, this variant is classified as pathogenic.

NM_000070.3(CAPN3):c.2306G>A (p.Arg769Gln)

Gene: CAPN3 (calpain 3; plus strand). Cytogenetic location: 15q15.1.
Variant type: single nucleotide variant.
Coding change: c.2306G>A on transcript NM_000070.3 (MANE Select); coding-DNA position 2306, G replaced by A.
Protein change: p.Arg769Gln; replaces arginine 769 with glutamine.
Molecular consequence: missense variant.
Genome position (GRCh38, 1-based): chr15:42,410,926, G>A. VCF-style: chr15-42410926-G-A. GRCh37 (hg19) VCF-style: chr15-42703124-G-A.
Other names: NM_000070.3(CAPN3):c.2306G>A; c.2288G>A, p.Arg763Gln (NM_024344.2); c.2030G>A, p.Arg677Gln (NM_173087.2); c.770G>A, p.Arg257Gln (NM_173088.2); c.311G>A, p.Arg104Gln (NM_173089.2, NM_173090.2); short protein forms R769Q, R257Q, R677Q, R104Q, R763Q.
Identifiers: ClinVar variation 17613 (VCV000017613.53), dbSNP rs80338802, ClinGen allele CA127306.
Genomic context (GRCh38, chr15:42,410,926, plus strand): 5'-ACATGGTCCCCTCCACAGGATTCCACCTCAACAACCAGCTCTATGACATCATTACCATGC[G>A]GTACGCAGACAAACACATGAACATCGACTTTGACAGTTTCATCTGCTGCTTCGTTAGGCT-3'
Protein context (NP_000061.1, residues 759-779): NNQLYDIITM[Arg769Gln]YADKHMNIDF